The following is an entry in ClinVar:

NM_002838.5(PTPRC):c.634G>A (p.Ala212Thr)

Gene: PTPRC (protein tyrosine phosphatase receptor type C; plus strand). Cytogenetic location: 1q32.1.
Variant type: single nucleotide variant.
Coding change: c.634G>A on transcript NM_002838.5 (MANE Select); coding-DNA position 634, G replaced by A.
Protein change: p.Ala212Thr; replaces alanine 212 with threonine.
Molecular consequence: missense variant.
Genome position (GRCh38, 1-based): chr1:198,703,348, G>A. VCF-style: chr1-198703348-G-A. GRCh37 (hg19) VCF-style: chr1-198672477-G-A.
Other names: c.151G>A, p.Ala51Thr (NM_080921.4); short protein forms A212T, A51T.
Identifiers: ClinVar variation 2177475 (VCV002177475.2), dbSNP rs200613730, ClinGen allele CA1314551.

ClinVar aggregate classification (germline): Uncertain significance (1 of 4 stars; one submission).

Conditions:
Immunodeficiency 104. Also called: Severe combined immunodeficiency, autosomal recessive, T cell-negative, B cell-positive, NK cell-positive; IMMUNODEFICIENCY 104, SEVERE COMBINED; SCID, AUTOSOMAL RECESSIVE, T CELL-NEGATIVE, B CELL-POSITIVE, NK CELL-POSITIVE; Severe Combined Immune Deficiency, Autosomal Recessive, TCell -Negative, B Cell-Positive, NK Cell-Positive, IL7R-Related. Identifiers: MedGen C5676890, MONDO:0012163, OMIM 608971.

Allele frequency attached by ClinVar (database versions not stated): ExAC 0.00001.
gnomAD v4.1: 4 of 1,612,824 alleles (0.00025%); highest among the groups gnomAD compares: Admixed American, 0.0033%; no homozygotes.

Submission:

Labcorp Genetics (formerly Invitae), Labcorp
Classification: Uncertain significance for Immunodeficiency 104. Last evaluated: 2025-05-08. Review status: criteria provided, single submitter. Criteria: Invitae Variant Classification Sherloc (09022015). Collection method: clinical testing. Allele origin: germline.
Comment: This sequence change replaces alanine, which is neutral and non-polar, with threonine, which is neutral and polar, at codon 212 of the PTPRC protein (p.Ala212Thr). This variant is present in population databases (rs200613730, gnomAD 0.006%). This variant has not been reported in the literature in individuals affected with PTPRC-related conditions. ClinVar contains an entry for this variant (Variation ID: 2177475). An algorithm developed to predict the effect of missense changes on protein structure and function outputs the following: PolyPhen-2: "Benign". The threonine amino acid residue is found in multiple mammalian species, which suggests that this missense change does not adversely affect protein function. In summary, the available evidence is currently insufficient to determine the role of this variant in disease. Therefore, it has been classified as a Variant of Uncertain Significance.